The following is an entry in ClinVar:

NM_001127222.2(CACNA1A):c.5642_5692del (p.Asp1881_Met1897del)

Gene: CACNA1A (calcium voltage-gated channel subunit alpha1 A; minus strand). Cytogenetic location: 19p13.13.
Variant type: Deletion.
Coding change: c.5642_5692del on transcript NM_001127222.2 (MANE Select); coding-DNA positions 5642 to 5692, 51 bases deleted.
Protein change: p.Asp1881_Met1897del.
Molecular consequence: inframe deletion.
Genome position (GRCh38, 1-based): chr19:13,224,706-13,224,756, 51 bases deleted. GRCh37 (hg19): chr19:13,335,524-13,335,574.
Other names: c.5660_5710del, p.Asp1887_Met1903del (NM_000068.4, NM_023035.3); c.5645_5695del, p.Asp1882_Met1898del (NM_001127221.2); c.5651_5701del, p.Asp1884_Met1900del (NM_001174080.2).
Identifiers: ClinVar variation 2950704 (VCV002950704.3), dbSNP rs2512589880, ClinGen allele CA2740091923.

ClinVar aggregate classification (germline): Uncertain significance (1 of 4 stars; one submission).

Conditions:
Episodic ataxia type 2 (EA2). Also called: CEREBELLAR ATAXIA, PAROXYSMAL, ACETAZOLAMIDE-RESPONSIVE; CEREBELLOPATHY, HEREDITARY PAROXYSMAL; EPISODIC ATAXIA, NYSTAGMUS-ASSOCIATED; ACETAZOLAMIDE-RESPONSIVE HEREDITARY PAROXYSMAL CEREBELLAR ATAXIA; ATAXIA, EPISODIC, WITH NYSTAGMUS; ATAXIA, FAMILIAL PAROXYSMAL. Identifiers: Orphanet 97, MedGen C1720416, MONDO:0007163, OMIM 108500.
Developmental and epileptic encephalopathy, 42 (DEE42A). Also called: Epileptic encephalopathy, early infantile, 42; DEVELOPMENTAL AND EPILEPTIC ENCEPHALOPATHY 42A; EPILEPTIC ENCEPHALOPATHY, EARLY INFANTILE, 42A. Identifiers: MedGen C4310716, MONDO:0014917, OMIM 617106.

Submission:

Labcorp Genetics (formerly Invitae), Labcorp
Classification: Uncertain significance for Developmental and epileptic encephalopathy, 42; Episodic ataxia type 2. Last evaluated: 2023-08-05. Review status: criteria provided, single submitter. Criteria: Invitae Variant Classification Sherloc (09022015). Collection method: clinical testing. Allele origin: germline.
Comment: In summary, the available evidence is currently insufficient to determine the role of this variant in disease. Therefore, it has been classified as a Variant of Uncertain Significance. This variant, c.5645_5695del, results in the deletion of 17 amino acid(s) of the CACNA1A protein (p.Asp1882_Met1898del), but otherwise preserves the integrity of the reading frame. This variant is not present in population databases (gnomAD no frequency). This variant has not been reported in the literature in individuals affected with CACNA1A-related conditions. Experimental studies and prediction algorithms are not available or were not evaluated, and the functional significance of this variant is currently unknown.